The following is an entry in ClinVar:

NM_000535.7(PMS2):c.393T>C (p.Val131=)

Gene: PMS2 (PMS1 homolog 2, mismatch repair system component; minus strand). Cytogenetic location: 7p22.1.
Variant type: single nucleotide variant.
Coding change: c.393T>C on transcript NM_000535.7 (MANE Select); coding-DNA position 393, T replaced by C.
Protein change: p.Val131=; no amino-acid change (valine 131 retained).
Molecular consequence: synonymous variant. On other transcripts: 5 prime UTR variant (29), non-coding transcript variant (1), intron variant (1).
Genome position (GRCh38, 1-based): chr7:6,002,597, A>G on the plus strand (T>C on the coding strand, the complement: PMS2 is on the minus strand). VCF-style: chr7-6002597-A-G. GRCh37 (hg19) VCF-style: chr7-6042228-A-G.
Other names: c.-13T>C (NM_001322003.2, NM_001322004.2, NM_001322005.2 and 24 more transcripts); c.393T>C, p.Val131= (NM_001322006.2, NM_001322014.2, NM_001406869.1 and 8 more transcripts); c.75T>C, p.Val25= (NM_001322007.2, NM_001322008.2, NM_001406876.1 and 4 more transcripts); c.-492T>C (NM_001322011.2, NM_001322012.2); c.84T>C, p.Val28= (NM_001322015.2, NM_001406875.1, NM_001406877.1 and 6 more transcripts); c.579T>C, p.Val193= (NM_001406866.1); c.417T>C, p.Val139= (NM_001406868.1); c.250+1375T>C (NM_001406885.1).
Identifiers: ClinVar variation 3903580 (VCV003903580.1).
Genomic context (GRCh38, chr7:6,002,597, plus strand): 5'-GCGGGGGTAGGGGGTTTTCTGGATAATTTTCCCATTGTGATCAAACATCAGTCGAGTTCC[A>G]ACCTTCGCCGATGCGTGGCAGGTAGAAATGGTGACATCGCTGTGAGAGAATACCAGGCAT-3'
Protein context (NP_000526.2, residues 121-141): TISTCHASAK[Val131=]GTRLMFDHNG

ClinVar aggregate classification (germline): Benign (1 of 4 stars; one submission).

Conditions:
Lynch syndrome 4 (LYNCH4). Also called: Colorectal cancer, hereditary nonpolyposis, type 4; Hereditary non-polyposis colorectal cancer, type 4. Identifiers: Orphanet 144, MedGen C1838333, MONDO:0013699, OMIM 614337. Disease mechanism: loss of function.

Submission:

Myriad Genetics, Inc.
Classification: Benign for Lynch syndrome 4. Last evaluated: 2025-01-24. Review status: criteria provided, single submitter. Criteria: Myriad Autosomal Dominant, Autosomal Recessive and X-Linked Classification Criteria (2023). Collection method: clinical testing. Allele origin: unknown.
Comment: This variant is considered benign. This variant is a silent/synonymous amino acid change and it is not expected to impact splicing.